The following is an entry in ClinVar:

ClinVar aggregate classification (germline): Benign/Likely benign. Review status: criteria provided, multiple submitters, no conflicts (2 of 4 stars). 4 submissions from 3 submitters: Benign (3); Likely benign (1). Last evaluated 2018-07-09.

Conditions:
Autosomal recessive nonsyndromic hearing loss 12. Also called: DEAFNESS, AUTOSOMAL RECESSIVE 12. Identifiers: Orphanet 90636, MedGen C1832394, MONDO:0011067, OMIM 601386.
Usher syndrome type 1D (USH1D). Also called: USHER SYNDROME, TYPE ID. Identifiers: Orphanet 231169, Orphanet 886, MedGen C1832845, MONDO:0010984, OMIM 601067.

Allele frequency attached by ClinVar (database versions not stated): gnomAD exomes 0.12619; gnomAD 0.13799 and 0.14033; TOPMed 0.15448; 1000 Genomes Project 30x 0.19785; 1000 Genomes Project 0.19928.
gnomAD v4.1: 61,602 of 471,326 alleles (13%); highest among the groups gnomAD compares: East Asian, 39%; 5,873 homozygotes.

Submissions (4):

GeneDx
Classification: Benign. Last evaluated: 2018-07-09. Review status: criteria provided, single submitter. Criteria: GeneDx Variant Classification Process June 2021. Collection method: clinical testing. Allele origin: germline. Affected: yes.

Illumina Laboratory Services, Illumina
Classification: Benign for Autosomal recessive nonsyndromic hearing loss 12. Last evaluated: 2018-01-13. Review status: criteria provided, single submitter. Criteria: ICSL Variant Classification Criteria 13 December 2019. Collection method: clinical testing. Allele origin: germline.
Comment: This variant was observed in the ICSL laboratory as part of a predisposition screen in an ostensibly healthy population. It had not been previously curated by ICSL or reported in the Human Gene Mutation Database (HGMD: prior to June 1st, 2018), and was therefore a candidate for classification through an automated scoring system. Utilizing variant allele frequency, disease prevalence and penetrance estimates, and inheritance mode, an automated score was calculated to assess if this variant is too frequent to cause the disease. Based on the score and internal cut-off values, a variant classified as benign is not then subjected to further curation. The score for this variant resulted in a classification of benign for this disease.

Illumina Laboratory Services, Illumina
Classification: Benign for Usher syndrome type 1D. Last evaluated: 2018-01-13. Review status: criteria provided, single submitter. Criteria: ICSL Variant Classification Criteria 13 December 2019. Collection method: clinical testing. Allele origin: germline.
Comment: the same text as in the submission from Illumina Laboratory Services, Illumina above.

Breakthrough Genomics
Classification: Likely benign. Review status: criteria provided, single submitter. Criteria: ACMG Guidelines, 2015. Collection method: not provided. Allele origin: germline. Inheritance: Autosomal recessive inheritance. Affected: yes.

NM_022124.6(CDH23):c.*204A>G

Gene: CDH23 (cadherin related 23; plus strand). Cytogenetic location: 10q22.1.
Variant type: single nucleotide variant.
Coding change: c.*204A>G on transcript NM_022124.6 (MANE Select); 204 bases downstream of the stop codon, A replaced by G.
Molecular consequence: 3 prime UTR variant.
Genome position (GRCh38, 1-based): chr10:71,815,482, A>G. VCF-style: chr10-71815482-A-G. GRCh37 (hg19) VCF-style: chr10-73575239-A-G.
Other names: c.*204A>G (NM_001171933.1, NM_001171934.1, NM_001171935.1 and 1 more transcripts).
Identifiers: ClinVar variation 300488 (VCV000300488.9), dbSNP rs2290022, ClinGen allele CA10636115.